The following is an entry in ClinVar:

ClinVar aggregate classification (germline): Pathogenic (1 of 4 stars; one submission).

Conditions:
Hereditary spastic paraplegia 2 (SPG2). Also called: Spastic Paraplegia 2 (SPG2); SPASTIC PARAPLEGIA 2, X-LINKED. Identifiers: Orphanet 99015, MedGen C0751604, MONDO:0010733, OMIM 312920.

Submission:

Labcorp Genetics (formerly Invitae), Labcorp
Classification: Pathogenic for Hereditary spastic paraplegia 2. Last evaluated: 2022-10-24. Review status: criteria provided, single submitter. Criteria: Invitae Variant Classification Sherloc (09022015). Collection method: clinical testing. Allele origin: germline.
Comment: This sequence change creates a premature translational stop signal (p.Trp145*) in the PLP1 gene. It is expected to result in an absent or disrupted protein product. Loss-of-function variants in PLP1 are known to be pathogenic (PMID: 18470932). This variant is not present in population databases (gnomAD no frequency). This premature translational stop signal has been observed in individual(s) with hereditary spastic paraplegia (PMID: 24139698). For these reasons, this variant has been classified as Pathogenic.

Literature cited by the submitters: PubMed 18470932; PubMed 24139698.

NM_000533.5(PLP1):c.435G>A (p.Trp145Ter)

Genes: PLP1 (proteolipid protein 1; plus strand), RAB9B (RAB9B, member RAS oncogene family; minus strand). Cytogenetic location: Xq22.2.
Variant type: single nucleotide variant.
Coding change: c.435G>A on transcript NM_000533.5 (MANE Select); coding-DNA position 435, G replaced by A.
Protein change: p.Trp145Ter; replaces tryptophan 145 with a stop codon.
Molecular consequence: nonsense. On other transcripts: intron variant (1).
Genome position (GRCh38, 1-based): chrX:103,786,708, G>A. VCF-style: chrX-103786708-G-A. GRCh37 (hg19) VCF-style: chrX-103041637-G-A.
Other names: c.435G>A, p.Trp145Ter (NM_001128834.3); c.270G>A, p.Trp90Ter (NM_001305004.1); c.348+87G>A (NM_199478.3); short protein forms W145*, W90*.
Identifiers: ClinVar variation 2043641 (VCV002043641.4), dbSNP rs2522308589, ClinGen allele CA414102937.